The following is an entry in ClinVar:

ClinVar aggregate classification (germline): Uncertain significance (1 of 4 stars; one submission).

Submission:

CeGaT Center for Human Genetics Tuebingen
Classification: Uncertain significance. Last evaluated: 2022-10-01. Review status: criteria provided, single submitter. Criteria: CeGaT Center For Human Genetics Tuebingen Variant Classification Criteria Version 2. Collection method: clinical testing. Allele origin: germline. Affected: yes. Observed: 1 variant allele.
Comment: MEGF8: PM2

NM_001271938.2(MEGF8):c.2866T>C (p.Cys956Arg)

Gene: MEGF8 (multiple EGF like domains 8; plus strand). Cytogenetic location: 19q13.2.
Variant type: single nucleotide variant.
Coding change: c.2866T>C on transcript NM_001271938.2 (MANE Select); coding-DNA position 2866, T replaced by C.
Protein change: p.Cys956Arg; replaces cysteine 956 with arginine.
Molecular consequence: missense variant.
Genome position (GRCh38, 1-based): chr19:42,351,439, T>C. VCF-style: chr19-42351439-T-C. GRCh37 (hg19) VCF-style: chr19-42855591-T-C.
Other names: c.2665T>C, p.Cys889Arg (NM_001410.3); short protein forms C889R, C956R.
Identifiers: ClinVar variation 1879444 (VCV001879444.29), dbSNP rs2514294234, ClinGen allele CA406100450.